The following is an entry in ClinVar:

ClinVar aggregate classification (germline): Likely benign (1 of 4 stars; one submission).

Submission:

CeGaT Center for Human Genetics Tuebingen
Classification: Likely benign. Last evaluated: 2024-11-01. Review status: criteria provided, single submitter. Criteria: CeGaT Center For Human Genetics Tuebingen Variant Classification Criteria Version 2. Collection method: clinical testing. Allele origin: germline. Affected: yes. Observed: 1 variant allele.
Comment: USP17L22: BP4, BP7

NM_001256863.1(USP17L22):c.1053T>C (p.Asp351=)

Gene: USP17L22 (ubiquitin specific peptidase 17 like family member 22; plus strand). Cytogenetic location: 4p16.1.
Variant type: single nucleotide variant.
Coding change: c.1053T>C on transcript NM_001256863.1 (MANE Select); coding-DNA position 1053, T replaced by C.
Protein change: p.Asp351=; no amino-acid change (aspartic acid 351 retained).
Molecular consequence: synonymous variant.
Genome position (GRCh38, 1-based): chr4:9,268,671, T>C. VCF-style: chr4-9268671-T-C. GRCh37 (hg19) VCF-style: chr4-9270397-T-C.
Identifiers: ClinVar variation 3388558 (VCV003388558.14).
Genomic context (GRCh38, chr4:9,268,671, plus strand): 5'-CAACGGACATTACTTCTCTTATGTCAAAGCTCAAGAAGGCCAGTGGTATAAAATGGATGA[T>C]GCCGAGGTCACCGCCTCTAGCATCACTTCTGTCCTGAGTCAACAGGCCTACGTCCTCTTT-3'
Protein context (NP_001243792.1, residues 341-361): AQEGQWYKMD[Asp351=]AEVTASSITS